The following is an entry in ClinVar:

ClinVar aggregate classification (germline): Uncertain significance (1 of 4 stars; one submission).

Submission:

GeneDx
Classification: Uncertain significance. Last evaluated: 2023-06-08. Review status: criteria provided, single submitter. Criteria: GeneDx Variant Classification Process June 2021. Collection method: clinical testing. Allele origin: germline. Affected: yes.
Comment: Not observed at significant frequency in large population cohorts (gnomAD); In-frame deletion of 3 amino acids in a non-repeat region; In silico analysis supports that this variant does not alter protein structure/function; Has not been previously published as pathogenic or benign to our knowledge

NM_007129.5(ZIC2):c.1465_1473del (p.Ser489_Gly491del)

Gene: ZIC2 (Zic family member 2; plus strand). Cytogenetic location: 13q32.3.
Variant type: Deletion.
Coding change: c.1465_1473del on transcript NM_007129.5 (MANE Select); coding-DNA positions 1465 to 1473, 9 bases deleted (TCAGGCGGC; older notation c.1465_1473delTCAGGCGGC).
Protein change: p.Ser489_Gly491del.
Genome position (GRCh38, 1-based): chr13:99,985,548-99,985,556, TCAGGCGGC deleted; deleting any 9 consecutive bases within chr13:99,985,541-99,985,556 gives the same sequence; the c. name uses the placement nearest the transcript's 3' end. VCF-style (leftmost placement, unchanged base first): chr13-99985540-GAGGCGGCTC-G. GRCh37 (hg19) VCF-style: chr13-100637794-GAGGCGGCTC-G.
Identifiers: ClinVar variation 3359538 (VCV003359538.1).
Genomic context (GRCh38, chr13:99,985,540, plus strand): 5'-CGGCGGCGGCCGCGGTGTCCGCGGTGCACCGGGGCGGAGGCTCGGGCAGTGGCGGCGCGG[GAGGCGGCTC>G]AGGCGGCGGCAGCGGCAGTGGCGGGGGCGGCGGCGGGGCGGGCGGCGGGGGCGGCGGCAG-3'